The following is an entry in ClinVar:

ClinVar aggregate classification (germline): Uncertain significance. Review status: criteria provided, multiple submitters, no conflicts (2 of 4 stars). 5 submissions from 5 submitters: Uncertain significance (4). 1 of the submissions does not count toward it. Last evaluated 2026-01-27.

Conditions:
Inborn genetic diseases. Identifiers: MedGen C0950123, MeSH D030342.
Charcot-Marie-Tooth disease type 2. Also called: Charcot-Marie-Tooth type 2. Identifiers: Orphanet 64746, MedGen C0270914, MONDO:0018993.
Charcot-Marie-Tooth disease axonal type 2N (CMT2N). Also called: CHARCOT-MARIE-TOOTH DISEASE, AXONAL, AUTOSOMAL DOMINANT, TYPE 2N; CHARCOT-MARIE-TOOTH NEUROPATHY, AXONAL, TYPE 2N; Charcot-Marie-Tooth Neuropathy Type 2N. Identifiers: Orphanet 228174, MedGen C2750090, MONDO:0013212, OMIM 613287.

Allele frequency attached by ClinVar (database versions not stated): gnomAD exomes below 0.00001; ExAC 0.00001.
gnomAD v4.1: 5 of 1,614,168 alleles (0.00031%); highest among the groups gnomAD compares: Non-Finnish European, 0.00042%; no homozygotes.

Submissions (5):

Labcorp Genetics (formerly Invitae), Labcorp
Classification: Uncertain significance for Charcot-Marie-Tooth disease type 2. Last evaluated: 2026-01-27. Review status: criteria provided, single submitter. Criteria: Invitae Variant Classification Sherloc (09022015). Collection method: clinical testing. Allele origin: germline.
Comment: This sequence change replaces asparagine, which is neutral and polar, with serine, which is neutral and polar, at codon 71 of the AARS protein (p.Asn71Ser). This variant is present in population databases (rs757167895, gnomAD 0.0009%). This missense change has been observed in individual(s) with clinical features of AARS-related conditions (PMID: 28902413). ClinVar contains an entry for this variant (Variation ID: 579370). Invitae Evidence Modeling of protein sequence and biophysical properties (such as structural, functional, and spatial information, amino acid conservation, physicochemical variation, residue mobility, and thermodynamic stability) indicates that this missense variant is not expected to disrupt AARS protein function with a negative predictive value of 80%. This variant disrupts the p.Asn71 amino acid residue in AARS. Other variant(s) that disrupt this residue have been determined to be pathogenic (PMID: 22009580, 22206013). This suggests that this residue is clinically significant, and that variants that disrupt this residue are likely to be disease-causing. In summary, the available evidence is currently insufficient to determine the role of this variant in disease. Therefore, it has been classified as a Variant of Uncertain Significance.

GeneDx
Classification: Uncertain significance. Last evaluated: 2022-04-26. Review status: criteria provided, single submitter. Criteria: GeneDx Variant Classification Process June 2021. Collection method: clinical testing. Allele origin: germline. Affected: yes.
Comment: Reported in the heterozygous state in a patient with CMT2N and HMN; no other information was provided (Dohrn et al., 2017); Not observed at significant frequency in large population cohorts (gnomAD); In silico analysis supports that this missense variant has a deleterious effect on protein structure/function; This variant is associated with the following publications: (PMID: 28902413, 25817015, 22009580, 22206013)

Ambry Genetics
Classification: Uncertain significance for Inborn genetic diseases. Last evaluated: 2022-02-11. Review status: criteria provided, single submitter. Criteria: Ambry Variant Classification Scheme 2023. Collection method: clinical testing. Allele origin: germline.
Comment: The c.212A>G (p.N71S) alteration is located in exon 3 (coding exon 2) of the AARS gene. This alteration results from a A to G substitution at nucleotide position 212, causing the asparagine (N) at amino acid position 71 to be replaced by a serine (S). Based on data from the Genome Aggregation Database (gnomAD), the AARS c.1212A>G alteration was observed in 0.0004% (1/251,478) of total alleles studied. This variant was detected in the heterozygous state in one patient with neuropathy (Dohrn, 2017). This amino acid position is completely conserved in available vertebrate species. This alteration is predicted to be tolerated by in silico analysis. Based on insufficient or conflicting evidence, the clinical significance of this alteration remains unclear.

Illumina Laboratory Services, Illumina
Classification: Uncertain significance for Charcot-Marie-Tooth disease axonal type 2N. Last evaluated: 2017-04-28. Review status: criteria provided, single submitter. Criteria: ICSL Variant Classification Criteria 13 December 2019. Collection method: clinical testing. Allele origin: germline.

Clinical Genetics Laboratory, University Hospital Schleswig-Holstein
Classification: Uncertain significance for Charcot-Marie-Tooth disease axonal type 2N. Last evaluated: 2023-12-21. Review status: no assertion criteria provided. Collection method: clinical testing. Allele origin: germline. Affected: yes. Not counted in ClinVar's aggregate classification.

Literature cited by the submitters: PubMed 28902413 (cited by Labcorp Genetics (formerly Invitae), Labcorp and Ambry Genetics); PubMed 22009580 (cited by Labcorp Genetics (formerly Invitae), Labcorp); PubMed 22206013 (cited by Labcorp Genetics (formerly Invitae), Labcorp).

NM_001605.3(AARS1):c.212A>G (p.Asn71Ser)

Gene: AARS1 (alanyl-tRNA synthetase 1; minus strand). Cytogenetic location: 16q22.1.
Variant type: single nucleotide variant.
Coding change: c.212A>G on transcript NM_001605.3 (MANE Select); coding-DNA position 212, A replaced by G.
Protein change: p.Asn71Ser; replaces asparagine 71 with serine.
Molecular consequence: missense variant.
Genome position (GRCh38, 1-based): chr16:70,277,087, T>C on the plus strand (A>G on the coding strand, the complement: AARS1 is on the minus strand). VCF-style: chr16-70277087-T-C. GRCh37 (hg19) VCF-style: chr16-70310990-T-C.
Other names: short protein forms N71S.
Identifiers: ClinVar variation 579370 (VCV000579370.15), dbSNP rs757167895, ClinGen allele CA8141182.